The following is an entry in ClinVar:

NM_001320752.2(STS):c.491A>G (p.Asp164Gly)

Gene: STS (steroid sulfatase; plus strand). Cytogenetic location: Xp22.31.
Variant type: single nucleotide variant.
Coding change: c.491A>G on transcript NM_001320752.2 (MANE Select); coding-DNA position 491, A replaced by G.
Protein change: p.Asp164Gly; replaces aspartic acid 164 with glycine.
Molecular consequence: missense variant.
Genome position (GRCh38, 1-based): chrX:7,259,457, A>G. VCF-style: chrX-7259457-A-G. GRCh37 (hg19) VCF-style: chrX-7177498-A-G.
Other names: c.491A>G, p.Asp164Gly (NM_000351.7, NM_001320753.2, NM_001320754.2); c.527A>G, p.Asp176Gly (NM_001320750.3, NM_001320751.2); short protein forms D164G, D176G.
Identifiers: ClinVar variation 4822478 (VCV004822478.4).

ClinVar aggregate classification (germline): Uncertain significance (1 of 4 stars; one submission).

Submission:

CeGaT Center for Human Genetics Tuebingen
Classification: Uncertain significance. Last evaluated: 2026-02-01. Review status: criteria provided, single submitter. Criteria: CeGaT Center For Human Genetics Tuebingen Variant Classification Criteria Version 2. Collection method: clinical testing. Allele origin: germline. Affected: yes. Observed: 1 variant allele.
Comment: STS: PM2